The following is an entry in ClinVar:

NM_004456.5(EZH2):c.626-1G>A

Gene: EZH2 (enhancer of zeste 2 polycomb repressive complex 2 subunit; minus strand). Cytogenetic location: 7q36.1.
Variant type: single nucleotide variant.
Coding change: c.626-1G>A on transcript NM_004456.5 (MANE Select); the canonical splice acceptor site of the intron before coding-DNA position 626, G replaced by A.
Molecular consequence: splice acceptor variant.
Genome position (GRCh38, 1-based): chr7:148,827,267, C>T on the plus strand (G>A on the coding strand, the complement: EZH2 is on the minus strand). VCF-style: chr7-148827267-C-T. GRCh37 (hg19) VCF-style: chr7-148524359-C-T.
Other names: c.599-1G>A (NM_001203248.2, NM_001203249.2); c.509-1G>A (NM_152998.3); c.626-1G>A (NM_001203247.2).
Identifiers: ClinVar variation 5002645 (VCV005002645.1).

ClinVar aggregate classification (germline): Uncertain significance (1 of 4 stars; one submission).

Conditions:
EZH2-related disorder.

Submission:

PreventionGenetics, part of Exact Sciences
Classification: Uncertain significance for EZH2-related condition. Last evaluated: 2024-10-25. Review status: criteria provided, single submitter. Criteria: ACMG Guidelines, 2015. Collection method: clinical testing. Allele origin: germline.
Comment: The EZH2 c.626-1G>A variant is predicted to disrupt the AG splice acceptor site and interfere with normal splicing. To our knowledge, this variant has not been reported in the literature or in a large population database (gnomAD), indicating this variant is rare. Although we suspect that this variant may be pathogenic, at this time, the clinical significance of this variant is uncertain due to the absence of conclusive functional and genetic evidence.